The following is an entry in ClinVar:

ClinVar aggregate classification (germline): Conflicting classifications of pathogenicity. Review status: criteria provided, conflicting classifications (1 of 4 stars). 3 submissions from 3 submitters: Uncertain significance (1); Likely benign (1). 1 of the submissions does not count toward it. Last evaluated 2026-09-01.

Conditions:
LAMA5-related disorder. Also called: LAMA5-Related Disorders; LAMA5-related condition.

Allele frequency attached by ClinVar (database versions not stated): 1000 Genomes Project 0.00040; ESP Exome Variant Server 0.00046; TOPMed 0.00053; 1000 Genomes Project 30x 0.00062; gnomAD 0.00065; gnomAD exomes 0.00075; ExAC 0.00114.
gnomAD v4.1: 1,178 of 1,613,158 alleles (0.073%); highest among the groups gnomAD compares: Admixed American, 0.11%; 2 homozygotes.

Submissions (3):

CeGaT Center for Human Genetics Tuebingen
Classification: Likely benign. Last evaluated: 2026-09-01. Review status: criteria provided, single submitter. Criteria: CeGaT Center For Human Genetics Tuebingen Variant Classification Criteria Version 2. Collection method: clinical testing. Allele origin: germline. Affected: yes. Observed: 1 variant allele.
Comment: LAMA5: BP4

Labcorp Genetics (formerly Invitae), Labcorp
Classification: Uncertain significance. Last evaluated: 2024-12-16. Review status: criteria provided, single submitter. Criteria: Invitae Variant Classification Sherloc (09022015). Collection method: clinical testing. Allele origin: germline.
Comment: This sequence change replaces arginine, which is basic and polar, with cysteine, which is neutral and slightly polar, at codon 378 of the LAMA5 protein (p.Arg378Cys). This variant is present in population databases (rs41284992, gnomAD 0.1%), and has an allele count higher than expected for a pathogenic variant. This variant has not been reported in the literature in individuals affected with LAMA5-related conditions. ClinVar contains an entry for this variant (Variation ID: 2061052). An algorithm developed to predict the effect of missense changes on protein structure and function (PolyPhen-2) suggests that this variant is likely to be disruptive. In summary, the available evidence is currently insufficient to determine the role of this variant in disease. Therefore, it has been classified as a Variant of Uncertain Significance.

PreventionGenetics, part of Exact Sciences
Classification: Likely benign for LAMA5-related condition. Last evaluated: 2022-05-25. Review status: no assertion criteria provided. Collection method: clinical testing. Allele origin: germline. Not counted in ClinVar's aggregate classification.
Comment: This variant is classified as likely benign based on ACMG/AMP sequence variant interpretation guidelines (Richards et al. 2015 PMID: 25741868, with internal and published modifications).

NM_005560.6(LAMA5):c.1132C>T (p.Arg378Cys)

Gene: LAMA5 (laminin subunit alpha 5; minus strand). Cytogenetic location: 20q13.33.
Variant type: single nucleotide variant.
Coding change: c.1132C>T on transcript NM_005560.6 (MANE Select); coding-DNA position 1132, C replaced by T.
Protein change: p.Arg378Cys; replaces arginine 378 with cysteine.
Molecular consequence: missense variant.
Genome position (GRCh38, 1-based): chr20:62,346,741, G>A on the plus strand (C>T on the coding strand, the complement: LAMA5 is on the minus strand). VCF-style: chr20-62346741-G-A. GRCh37 (hg19) VCF-style: chr20-60921797-G-A.
Other names: c.1132C>T (NM_005560.4); short protein forms R378C.
Identifiers: ClinVar variation 2061052 (VCV002061052.5), dbSNP rs41284992, ClinGen allele CA9944085.